The following is an entry in ClinVar:

ClinVar aggregate classification (germline): Benign (1 of 4 stars; one submission).

Conditions:
Exudative vitreoretinopathy 1 (EVR1). Also called: CRISWICK-SCHEPENS SYNDROME; FEVR, AUTOSOMAL DOMINANT; Familial exudative vitreoretinopathy, autosomal dominant. Identifiers: Orphanet 891, Orphanet 90050, MedGen C1851402, MONDO:0007589, OMIM 133780.

Allele frequency attached by ClinVar (database versions not stated): gnomAD 0.00005 and 0.00109; TOPMed 0.00027; 1000 Genomes Project 0.00978; 1000 Genomes Project 30x 0.00984.

Submission:

Illumina Laboratory Services, Illumina
Classification: Benign for Exudative vitreoretinopathy 1. Last evaluated: 2018-01-13. Review status: criteria provided, single submitter. Criteria: ICSL Variant Classification Criteria 13 December 2019. Collection method: clinical testing. Allele origin: germline.
Comment: This variant was observed in the ICSL laboratory as part of a predisposition screen in an ostensibly healthy population. It had not been previously curated by ICSL or reported in the Human Gene Mutation Database (HGMD: prior to June 1st, 2018), and was therefore a candidate for classification through an automated scoring system. Utilizing variant allele frequency, disease prevalence and penetrance estimates, and inheritance mode, an automated score was calculated to assess if this variant is too frequent to cause the disease. Based on the score and internal cut-off values, a variant classified as benign is not then subjected to further curation. The score for this variant resulted in a classification of benign for this disease.

NM_012193.4(FZD4):c.*799A>G

Genes: PRSS23 (serine protease 23; plus strand), FZD4 (frizzled class receptor 4; minus strand). Cytogenetic location: 11q14.2.
Variant type: single nucleotide variant.
Coding change: c.*799A>G on transcript NM_012193.4 (MANE Select); 799 bases downstream of the stop codon, A replaced by G.
Molecular consequence: 3 prime UTR variant.
Genome position (GRCh38, 1-based): chr11:86,950,343, T>C on the plus strand (A>G on the coding strand, the complement: FZD4 is on the minus strand). VCF-style: chr11-86950343-T-C. GRCh37 (hg19) VCF-style: chr11-86661385-T-C.
Identifiers: ClinVar variation 306390 (VCV000306390.5), dbSNP rs573013571, ClinGen allele CA10635828.